The following is an entry in ClinVar:

NM_005559.4(LAMA1):c.4411G>A (p.Asp1471Asn)

Gene: LAMA1 (laminin subunit alpha 1; minus strand). Cytogenetic location: 18p11.31.
Variant type: single nucleotide variant.
Coding change: c.4411G>A on transcript NM_005559.4 (MANE Select); coding-DNA position 4411, G replaced by A.
Protein change: p.Asp1471Asn; replaces aspartic acid 1471 with asparagine.
Molecular consequence: missense variant.
Genome position (GRCh38, 1-based): chr18:6,999,969, C>T on the plus strand (G>A on the coding strand, the complement: LAMA1 is on the minus strand). VCF-style: chr18-6999969-C-T. GRCh37 (hg19) VCF-style: chr18-6999968-C-T.
Other names: c.4411G>A (NM_005559.3); short protein forms D1471N.
Identifiers: ClinVar variation 2963323 (VCV002963323.4), dbSNP rs769804048, ClinGen allele CA8881924.

ClinVar aggregate classification (germline): Uncertain significance. Review status: criteria provided, multiple submitters, no conflicts (2 of 4 stars). 2 submissions from 2 submitters: Uncertain significance (2). Last evaluated 2025-10-02.

Conditions:
Inborn genetic diseases. Identifiers: MedGen C0950123, MeSH D030342.

Allele frequency attached by ClinVar (database versions not stated): ExAC 0.00001; gnomAD 0.00001; TOPMed 0.00001; gnomAD exomes 0.00001.
gnomAD v4.1: 5 of 1,613,850 alleles (0.00031%); highest among the groups gnomAD compares: Non-Finnish European, 0.00042%; no homozygotes.

Submissions (2):

Labcorp Genetics (formerly Invitae), Labcorp
Classification: Uncertain significance. Last evaluated: 2025-10-02. Review status: criteria provided, single submitter. Criteria: Invitae Variant Classification Sherloc (09022015). Collection method: clinical testing. Allele origin: germline.
Comment: This sequence change replaces aspartic acid, which is acidic and polar, with asparagine, which is neutral and polar, at codon 1471 of the LAMA1 protein (p.Asp1471Asn). This variant is present in population databases (rs769804048, gnomAD 0.002%). This variant has not been reported in the literature in individuals affected with LAMA1-related conditions. ClinVar contains an entry for this variant (Variation ID: 2963323). Invitae Evidence Modeling of protein sequence and biophysical properties (such as structural, functional, and spatial information, amino acid conservation, physicochemical variation, residue mobility, and thermodynamic stability) indicates that this missense variant is not expected to disrupt LAMA1 protein function with a negative predictive value of 80%. In summary, the available evidence is currently insufficient to determine the role of this variant in disease. Therefore, it has been classified as a Variant of Uncertain Significance.

Ambry Genetics
Classification: Uncertain significance for Inborn genetic diseases. Last evaluated: 2024-07-31. Review status: criteria provided, single submitter. Criteria: Ambry Variant Classification Scheme 2023. Collection method: clinical testing. Allele origin: germline.